The following is an entry in ClinVar:

NM_003482.4(KMT2D):c.14165T>G (p.Phe4722Cys)

Gene: KMT2D (lysine methyltransferase 2D; minus strand). Cytogenetic location: 12q13.12.
Variant type: single nucleotide variant.
Coding change: c.14165T>G on transcript NM_003482.4 (MANE Select); coding-DNA position 14165, T replaced by G.
Protein change: p.Phe4722Cys; replaces phenylalanine 4722 with cysteine.
Molecular consequence: missense variant.
Genome position (GRCh38, 1-based): chr12:49,029,147, A>C on the plus strand (T>G on the coding strand, the complement: KMT2D is on the minus strand). VCF-style: chr12-49029147-A-C. GRCh37 (hg19) VCF-style: chr12-49422930-A-C.
Other names: short protein forms F4722C.
Identifiers: ClinVar variation 2417993 (VCV002417993.7), dbSNP rs2120392480, ClinGen allele CA384697312.

ClinVar aggregate classification (germline): Uncertain significance. Review status: criteria provided, multiple submitters, no conflicts (2 of 4 stars). 2 submissions from 2 submitters: Uncertain significance (2). Last evaluated 2024-08-03.

Conditions:
Kabuki syndrome. Also called: NIIKAWA-KUROKI SYNDROME; Kabuki make-up syndrome. Identifiers: Orphanet 2322, MedGen C0796004, MONDO:0016512.

Submissions (2):

GeneDx
Classification: Uncertain significance. Last evaluated: 2024-08-03. Review status: criteria provided, single submitter. Criteria: GeneDx Variant Classification Process June 2021. Collection method: clinical testing. Allele origin: germline. Affected: yes.
Comment: Not observed at significant frequency in large population cohorts (gnomAD); In silico analysis supports that this missense variant has a deleterious effect on protein structure/function; Has not been previously published as pathogenic or benign to our knowledge

Labcorp Genetics (formerly Invitae), Labcorp
Classification: Uncertain significance for Kabuki syndrome. Last evaluated: 2023-01-03. Review status: criteria provided, single submitter. Criteria: Invitae Variant Classification Sherloc (09022015). Collection method: clinical testing. Allele origin: germline.
Comment: In summary, the available evidence is currently insufficient to determine the role of this variant in disease. Therefore, it has been classified as a Variant of Uncertain Significance. Advanced modeling of protein sequence and biophysical properties (such as structural, functional, and spatial information, amino acid conservation, physicochemical variation, residue mobility, and thermodynamic stability) has been performed at Invitae for this missense variant, however the output from this modeling did not meet the statistical confidence thresholds required to predict the impact of this variant on KMT2D protein function. This variant has not been reported in the literature in individuals affected with KMT2D-related conditions. This variant is not present in population databases (gnomAD no frequency). This sequence change replaces phenylalanine, which is neutral and non-polar, with cysteine, which is neutral and slightly polar, at codon 4722 of the KMT2D protein (p.Phe4722Cys).